The following is an entry in ClinVar:

ClinVar aggregate classification (germline): Likely pathogenic (1 of 4 stars; one submission).

Conditions:
Dilated cardiomyopathy 1G (CMD1G). Identifiers: Orphanet 154, MedGen C1858763, MONDO:0011400, OMIM 604145.
Autosomal recessive limb-girdle muscular dystrophy type 2J (LGMDR10). Also called: Limb-girdle muscular dystrophy, type 2J; MUSCULAR DYSTROPHY, LIMB-GIRDLE, AUTOSOMAL RECESSIVE 10. Identifiers: Orphanet 140922, MedGen C1837342, MONDO:0012127, OMIM 608807.

Submission:

Labcorp Genetics (formerly Invitae), Labcorp
Classification: Likely pathogenic for Dilated cardiomyopathy 1G; Autosomal recessive limb-girdle muscular dystrophy type 2J. Last evaluated: 2022-05-21. Review status: criteria provided, single submitter. Criteria: Invitae Variant Classification Sherloc (09022015). Collection method: clinical testing. Allele origin: germline.
Comment: This sequence change creates a premature translational stop signal (p.Ile28207Serfs*8) in the TTN gene. While this is not anticipated to result in nonsense mediated decay, it is expected to create a truncated TTN protein. This variant is not present in population databases (gnomAD no frequency). This variant has not been reported in the literature in individuals affected with TTN-related conditions. This variant is located in the A band of TTN (PMID: 25589632). Truncating variants in this region are significantly overrepresented in patients affected with dilated cardiomyopathy (PMID: 25589632). Truncating variants in this region have also been reported in individuals affected with autosomal recessive centronuclear myopathy (PMID: 23975875). In summary, the currently available evidence indicates that the variant is pathogenic, but additional data are needed to prove that conclusively. Therefore, this variant has been classified as Likely Pathogenic.

Literature cited by the submitters: PubMed 25589632; PubMed 23975875.

NM_001267550.2(TTN):c.84619del (p.Ile28207fs)

Genes: TTN (titin; minus strand), TTN-AS1 (TTN antisense RNA 1; plus strand). Cytogenetic location: 2q31.2.
Variant type: Deletion.
Coding change: c.84619del on transcript NM_001267550.2 (MANE Select); coding-DNA position 84619, one base deleted (A; older notation c.84619delA).
Protein change: p.Ile28207fs; shifts the reading frame from isoleucine 28207.
Molecular consequence: frameshift variant.
Genome position (GRCh38, 1-based): chr2:178,561,513, T deleted on the plus strand (A on the coding strand, the reverse complement: TTN is on the minus strand); the first of 4 consecutive T bases (chr2:178,561,513-178,561,516); deleting any one gives the same sequence. VCF-style (leftmost placement, unchanged base first): chr2-178561512-AT-A. GRCh37 (hg19) VCF-style: chr2-179426239-AT-A.
Other names: c.79696del, p.Ile26566fs (NM_001256850.1); c.57424del, p.Ile19142fs (NM_003319.4); c.76915del, p.Ile25639fs (NM_133378.4); c.57799del, p.Ile19267fs (NM_133432.3); c.58000del, p.Ile19334fs (NM_133437.4); short protein forms I19267fs, I25639fs, I19142fs, I26566fs, I19334fs, I28207fs.
Identifiers: ClinVar variation 1485188 (VCV001485188.6), dbSNP rs2154159753, ClinGen allele CA2573134133.
Genomic context (GRCh38, chr2:178,561,512, plus strand): 5'-TACTCATACATCAGTCCTTCATCAAGGCCGGAGACTTTCATTTGAGTATCAGCAATGAGG[AT>A]TTTATTTGCTTTTGACCAAAGAATGCTGCTTCTTTCTTTATACTCAAGATGATAGCCAAT-3'